The following is an entry in ClinVar:

NM_006182.4(DDR2):c.920G>A (p.Arg307His)

Gene: DDR2 (discoidin domain receptor tyrosine kinase 2; plus strand). Cytogenetic location: 1q23.3.
Variant type: single nucleotide variant.
Coding change: c.920G>A on transcript NM_006182.4 (MANE Select); coding-DNA position 920, G replaced by A.
Protein change: p.Arg307His; replaces arginine 307 with histidine.
Molecular consequence: missense variant.
Genome position (GRCh38, 1-based): chr1:162,761,275, G>A. VCF-style: chr1-162761275-G-A. GRCh37 (hg19) VCF-style: chr1-162731065-G-A.
Other names: c.920G>A, p.Arg307His (NM_001014796.3, NM_001354982.2, NM_001354983.2); short protein forms R307H.
Identifiers: ClinVar variation 4692281 (VCV004692281.1).

ClinVar aggregate classification (germline): Uncertain significance (1 of 4 stars; one submission).

gnomAD v4.1: 32 of 1,613,996 alleles (0.002%); highest among the groups gnomAD compares: South Asian, 0.012%; no homozygotes.

Submission:

Labcorp Genetics (formerly Invitae), Labcorp
Classification: Uncertain significance. Last evaluated: 2025-02-27. Review status: criteria provided, single submitter. Criteria: Invitae Variant Classification Sherloc (09022015). Collection method: clinical testing. Allele origin: germline.
Comment: This sequence change replaces arginine, which is basic and polar, with histidine, which is basic and polar, at codon 307 of the DDR2 protein (p.Arg307His). This variant is present in population databases (rs747307320, gnomAD 0.01%). This variant has not been reported in the literature in individuals affected with DDR2-related conditions. An algorithm developed to predict the effect of missense changes on protein structure and function (PolyPhen-2) suggests that this variant is likely to be disruptive. In summary, the available evidence is currently insufficient to determine the role of this variant in disease. Therefore, it has been classified as a Variant of Uncertain Significance.